The following is an entry in ClinVar:

ClinVar aggregate classification (germline): Uncertain significance (1 of 4 stars; one submission).

Conditions:
Rhabdoid tumor predisposition syndrome 2 (RTPS2). Identifiers: Orphanet 231108, Orphanet 69077, MedGen C2750074, MONDO:0013224, OMIM 613325.

Submission:

Labcorp Genetics (formerly Invitae), Labcorp
Classification: Uncertain significance for Rhabdoid tumor predisposition syndrome 2. Last evaluated: 2021-08-13. Review status: criteria provided, single submitter. Criteria: Invitae Variant Classification Sherloc (09022015). Collection method: clinical testing. Allele origin: germline.
Comment: In summary, the available evidence is currently insufficient to determine the role of this variant in disease. Therefore, it has been classified as a Variant of Uncertain Significance. Algorithms developed to predict the effect of missense changes on protein structure and function (SIFT, PolyPhen-2, Align-GVGD) all suggest that this variant is likely to be tolerated. This variant has not been reported in the literature in individuals affected with SMARCA4-related conditions. This variant is not present in population databases (ExAC no frequency). This sequence change replaces valine with leucine at codon 1592 of the SMARCA4 protein (p.Val1592Leu). The valine residue is highly conserved and there is a small physicochemical difference between valine and leucine.

NM_003072.5(SMARCA4):c.4678G>C (p.Val1560Leu)

Gene: SMARCA4 (SWI/SNF related BAF chromatin remodeling complex subunit ATPase 4; plus strand). Cytogenetic location: 19p13.2.
Variant type: single nucleotide variant.
Coding change: c.4678G>C on transcript NM_003072.5 (MANE Select); coding-DNA position 4678, G replaced by C.
Protein change: p.Val1560Leu; replaces valine 1560 with leucine.
Molecular consequence: missense variant. On other transcripts: non-coding transcript variant (1).
Genome position (GRCh38, 1-based): chr19:11,059,795, G>C. VCF-style: chr19-11059795-G-C. GRCh37 (hg19) VCF-style: chr19-11170471-G-C.
Other names: c.4678G>C, p.Val1560Leu (NM_001128844.3); c.4588G>C, p.Val1530Leu (NM_001128845.2); c.4585G>C, p.Val1529Leu (NM_001128846.2); c.4579G>C, p.Val1527Leu (NM_001128847.4, NM_001374457.1); c.4576G>C, p.Val1526Leu (NM_001128848.2); c.4774G>C, p.Val1592Leu (NM_001128849.3, NM_001387283.1); short protein forms V1529L, V1592L, V1527L, V1530L, V1560L, V1526L.
Identifiers: ClinVar variation 1374785 (VCV001374785.6), dbSNP rs374983142, ClinGen allele CA404079318.